The following is an entry in ClinVar:

ClinVar aggregate classification (germline): Uncertain significance (1 of 4 stars; one submission).

Conditions:
Inborn genetic diseases. Identifiers: MedGen C0950123, MeSH D030342.

Submission:

Ambry Genetics
Classification: Uncertain significance for Inborn genetic diseases. Last evaluated: 2025-02-08. Review status: criteria provided, single submitter. Criteria: Ambry Variant Classification Scheme 2023. Collection method: clinical testing. Allele origin: germline.
Comment: The p.D435H variant (also known as c.1303G>C), located in coding exon 12 of the ANKRD26 gene, results from a G to C substitution at nucleotide position 1303. The aspartic acid at codon 435 is replaced by histidine, an amino acid with similar properties. This amino acid position is conserved. In addition, this alteration is predicted to be tolerated by in silico analysis. Based on the available evidence, the clinical significance of this variant remains unclear.

NM_014915.3(ANKRD26):c.1303G>C (p.Asp435His)

Gene: ANKRD26 (ankyrin repeat domain containing 26; minus strand). Cytogenetic location: 10p12.1.
Variant type: single nucleotide variant.
Coding change: c.1303G>C on transcript NM_014915.3 (MANE Select); coding-DNA position 1303, G replaced by C.
Protein change: p.Asp435His; replaces aspartic acid 435 with histidine.
Molecular consequence: missense variant.
Genome position (GRCh38, 1-based): chr10:27,064,048, C>G on the plus strand (G>C on the coding strand, the complement: ANKRD26 is on the minus strand). VCF-style: chr10-27064048-C-G. GRCh37 (hg19) VCF-style: chr10-27352977-C-G.
Other names: c.1303G>C, p.Asp435His (NM_001256053.2); short protein forms D435H.
Identifiers: ClinVar variation 3871031 (VCV003871031.1).